The following is an entry in ClinVar:

NM_001032283.3(TMPO):c.565+1836G>C

Gene: TMPO (thymopoietin; plus strand). Cytogenetic location: 12q23.1.
Variant type: single nucleotide variant.
Coding change: c.565+1836G>C on transcript NM_001032283.3 (MANE Select); 1836 bases into the intron after coding-DNA position 565, G replaced by C.
Molecular consequence: intron variant. On other transcripts: missense variant (1).
Genome position (GRCh38, 1-based): chr12:98,533,674, G>C. VCF-style: chr12-98533674-G-C. GRCh37 (hg19) VCF-style: chr12-98927452-G-C.
Other names: c.1417G>C, p.Gly473Arg (NM_003276.2); c.565+1836G>C (NM_001307975.2, NM_001032284.3); short protein forms G473R.
Identifiers: ClinVar variation 3721108 (VCV003721108.2).

ClinVar aggregate classification (germline): Uncertain significance (1 of 4 stars; one submission).

Conditions:
Loeys-Dietz syndrome 2 (LDS2). Also called: TGFBR2-Related Loeys-Dietz Syndrome; AORTIC ANEURYSM, FAMILIAL THORACIC 3; Marfan Syndrome type 2; Marfan like connective tissue disorder; MFS 2; Marfan syndrome, type 2 (formerly). Identifiers: Orphanet 284973, Orphanet 558, MedGen C2674574, MONDO:0012427, OMIM 610168.

gnomAD v4.1: 1 of 1,614,132 alleles (0.000062%); highest among the groups gnomAD compares: Non-Finnish European, 0.000085%; no homozygotes.

Submission:

Labcorp Genetics (formerly Invitae), Labcorp
Classification: Uncertain significance for Loeys-Dietz syndrome 2. Last evaluated: 2024-05-08. Review status: criteria provided, single submitter. Criteria: Invitae Variant Classification Sherloc (09022015). Collection method: clinical testing. Allele origin: germline.
Comment: This sequence change replaces glycine, which is neutral and non-polar, with arginine, which is basic and polar, at codon 473 of the TMPO protein (p.Gly473Arg). This variant is not present in population databases (gnomAD no frequency). This variant has not been reported in the literature in individuals affected with TMPO-related conditions. Advanced modeling of protein sequence and biophysical properties (such as structural, functional, and spatial information, amino acid conservation, physicochemical variation, residue mobility, and thermodynamic stability) performed at Invitae indicates that this missense variant is not expected to disrupt TMPO protein function with a negative predictive value of 80%. In summary, the available evidence is currently insufficient to determine the role of this variant in disease. Therefore, it has been classified as a Variant of Uncertain Significance.